The following is an entry in ClinVar:

ClinVar aggregate classification (germline): Pathogenic (1 of 4 stars; one submission).

Conditions:
Hereditary cancer-predisposing syndrome. Also called: Neoplastic Syndromes, Hereditary; Tumor predisposition; Hereditary Cancer Syndrome; Hereditary neoplastic syndrome. Identifiers: Orphanet 140162, MedGen C0027672, MeSH D009386, MONDO:0015356.

Submission:

Ambry Genetics
Classification: Pathogenic for Hereditary cancer-predisposing syndrome. Last evaluated: 2023-04-28. Review status: criteria provided, single submitter. Criteria: Ambry Variant Classification Scheme 2023. Collection method: clinical testing. Allele origin: germline.
Comment: The c.1206_1209delGAGA pathogenic mutation, located in coding exon 8 of the RAD50 gene, results from a deletion of 4 nucleotides at nucleotide positions 1206 to 1209, causing a translational frameshift with a predicted alternate stop codon (p.E402Dfs*12). This alteration is expected to result in loss of function by premature protein truncation or nonsense-mediated mRNA decay. As such, this alteration is interpreted as a disease-causing mutation.

NM_005732.4(RAD50):c.1206_1209del (p.Glu402fs)

Gene: RAD50 (RAD50 double strand break repair protein; plus strand). Cytogenetic location: 5q31.1.
Variant type: Microsatellite.
Coding change: c.1206_1209del on transcript NM_005732.4 (MANE Select); coding-DNA positions 1206 to 1209, 4 bases deleted (GAGA; older notation c.1206_1209delGAGA).
Protein change: p.Glu402fs; shifts the reading frame from glutamic acid 402.
Molecular consequence: frameshift variant.
Genome position (GRCh38, 1-based): chr5:132,588,841-132,588,844, GAGA deleted; deleting any 4 consecutive bases within chr5:132,588,835-132,588,844 gives the same sequence; the c. name uses the placement nearest the transcript's 3' end. VCF-style (leftmost placement, unchanged base first): chr5-132588834-TGAGA-T. GRCh37 (hg19) VCF-style: chr5-131924526-TGAGA-T.
Other names: short protein forms E402fs.
Identifiers: ClinVar variation 187339 (VCV000187339.6), dbSNP rs786203655, ClinGen allele CA197391.